The following is an entry in ClinVar:

ClinVar aggregate classification (germline): Likely pathogenic (1 of 4 stars; one submission).

Allele frequency attached by ClinVar (database versions not stated): gnomAD exomes 0.00001; ExAC 0.00002.
gnomAD v4.1: 5 of 1,613,058 alleles (0.00031%); highest among the groups gnomAD compares: Admixed American, 0.0083%; no homozygotes.

Submission:

Labcorp Genetics (formerly Invitae), Labcorp
Classification: Likely pathogenic. Last evaluated: 2023-08-09. Review status: criteria provided, single submitter. Criteria: Invitae Variant Classification Sherloc (09022015). Collection method: clinical testing. Allele origin: germline.
Comment: Algorithms developed to predict the effect of sequence changes on RNA splicing suggest that this variant may disrupt the consensus splice site. This variant has not been reported in the literature in individuals affected with DNAH9-related conditions. This variant is present in population databases (rs777167537, gnomAD 0.01%). This sequence change affects a donor splice site in intron 24 of the DNAH9 gene. It is expected to disrupt RNA splicing. Variants that disrupt the donor or acceptor splice site typically lead to a loss of protein function (PMID: 16199547), and loss-of-function variants in DNAH9 are known to be pathogenic (PMID: 30471718). In summary, the currently available evidence indicates that the variant is pathogenic, but additional data are needed to prove that conclusively. Therefore, this variant has been classified as Likely Pathogenic.

Literature cited by the submitters: PubMed 16199547; PubMed 30471718.

NM_001372.4(DNAH9):c.5151+1G>A

Gene: DNAH9 (dynein axonemal heavy chain 9; plus strand). Cytogenetic location: 17p12.
Variant type: single nucleotide variant.
Coding change: c.5151+1G>A on transcript NM_001372.4 (MANE Select); the canonical splice donor site of the intron after coding-DNA position 5151, G replaced by A.
Molecular consequence: splice donor variant.
Genome position (GRCh38, 1-based): chr17:11,701,248, G>A. VCF-style: chr17-11701248-G-A. GRCh37 (hg19) VCF-style: chr17-11604565-G-A.
Identifiers: ClinVar variation 2721698 (VCV002721698.3), dbSNP rs777167537, ClinGen allele CA8395920.